The following is an entry in ClinVar:

ClinVar aggregate classification (germline): Uncertain significance (1 of 4 stars; one submission).

Conditions:
Complex neurodevelopmental disorder. Identifiers: Orphanet 528084, MedGen C5568766, MONDO:0100038.

Submission:

Victorian Clinical Genetics Services, Murdoch Childrens Research Institute
Classification: Uncertain significance for Complex neurodevelopmental disorder. Last evaluated: 2025-10-08. Review status: criteria provided, single submitter. Criteria: ACMG Guidelines, 2015. Collection method: clinical testing. Allele origin: germline. Affected: yes.
Comment: This variant is classified as VUS-3A. Evidence in support of pathogenic classification: Variant is absent from gnomAD (v2, v3 and v4). Additional information: Variant is predicted to result in a missense amino acid change from His to Asn; This variant is homozygous; This gene is associated with autosomal recessive disease; Alternative amino acid change(s) at the same position are present in gnomAD (Highest allele count: v4: 4 heterozygote(s), 0 homozygote(s)); This variant has no previous evidence of pathogenicity; No published evidence of segregation with disease has been identified for this variant; No published functional evidence has been identified for this variant; No comparable missense variants have previous evidence for pathogenicity; Variant is located in the annotated WD domain, G-beta repeat (DECIPHER); Missense variant with inconclusive in silico prediction and uninformative conservation; Loss of function is a known mechanism of disease in this gene and is associated with complex neurodevelopmental disorder (MONDO:0100038), WDR47-related (PMID: 39609633).

Literature cited by the submitters: PubMed 39609633.

NM_001142551.2(WDR47):c.2659C>A (p.His887Asn)

Gene: WDR47 (WD repeat domain 47; minus strand). Cytogenetic location: 1p13.3.
Variant type: single nucleotide variant.
Coding change: c.2659C>A on transcript NM_001142551.2 (MANE Select); coding-DNA position 2659, C replaced by A.
Protein change: p.His887Asn; replaces histidine 887 with asparagine.
Molecular consequence: missense variant.
Genome position (GRCh38, 1-based): chr1:108,971,531, G>T on the plus strand (C>A on the coding strand, the complement: WDR47 is on the minus strand). VCF-style: chr1-108971531-G-T. GRCh37 (hg19) VCF-style: chr1-109514153-G-T.
Other names: c.2683C>A, p.His895Asn (NM_001142550.2); c.2662C>A, p.His888Asn (NM_014969.6); short protein forms H887N, H888N, H895N.
Identifiers: ClinVar variation 4531646 (VCV004531646.1).